The following is an entry in ClinVar:

ClinVar aggregate classification (germline): Conflicting classifications of pathogenicity. Review status: criteria provided, conflicting classifications (1 of 4 stars). 3 submissions from 3 submitters: Likely pathogenic (1); Uncertain significance (2). Last evaluated 2025-04-22.

Conditions:
Progressive sclerosing poliodystrophy (MTDPS4A). Also called: Alpers-Huttenlocher Syndrome (AHS); Alpers Syndrome; ALPERS PROGRESSIVE INFANTILE POLIODYSTROPHY; Mitochondrial DNA depletion syndrome 4A (Alpers type); ALPERS DIFFUSE DEGENERATION OF CEREBRAL GRAY MATTER WITH HEPATIC CIRRHOSIS; Alpers-Huttenlocher Syndrome. Identifiers: Orphanet 726, MedGen C0205710, MONDO:0008758, OMIM 203700.

Allele frequency attached by ClinVar (database versions not stated): gnomAD exomes below 0.00001.

Submissions (3):

Women's Health and Genetics/Laboratory Corporation of America, LabCorp
Classification: Uncertain significance. Last evaluated: 2025-04-22. Review status: criteria provided, single submitter. Criteria: LabCorp Variant Classification Summary - May 2015. Collection method: clinical testing. Allele origin: germline.
Comment: Variant summary: POLG c.1862G>A (p.Gly621Asp) results in a non-conservative amino acid change in the encoded protein sequence. Five of five in-silico tools predict a damaging effect of the variant on protein function. The variant was absent in 250444 control chromosomes. The available data on variant occurrences in the general population are insufficient to allow any conclusion about variant significance. c.1862G>A has been observed in at least one compound heterozygous individual affected with Alpers syndrome (e.g. Hikmat_2017). These data do not allow any conclusion about variant significance. To our knowledge, no experimental evidence demonstrating an impact on protein function has been reported. The following publication has been ascertained in the context of this evaluation (PMID: 28471437). ClinVar contains an entry for this variant (Variation ID: 619411). Based on the evidence outlined above, the variant was classified as uncertain significance.

Labcorp Genetics (formerly Invitae), Labcorp
Classification: Uncertain significance for Progressive sclerosing poliodystrophy. Last evaluated: 2022-11-28. Review status: criteria provided, single submitter. Criteria: Invitae Variant Classification Sherloc (09022015). Collection method: clinical testing. Allele origin: germline.
Comment: In summary, the available evidence is currently insufficient to determine the role of this variant in disease. Therefore, it has been classified as a Variant of Uncertain Significance. Advanced modeling of protein sequence and biophysical properties (such as structural, functional, and spatial information, amino acid conservation, physicochemical variation, residue mobility, and thermodynamic stability) performed at Invitae indicates that this missense variant is expected to disrupt POLG protein function. ClinVar contains an entry for this variant (Variation ID: 619411). This missense change has been observed in individual(s) with autosomal recessive POLG-related conditions (PMID: 28471437). This variant is not present in population databases (gnomAD no frequency). This sequence change replaces glycine, which is neutral and non-polar, with aspartic acid, which is acidic and polar, at codon 621 of the POLG protein (p.Gly621Asp).

Wong Mito Lab, Molecular and Human Genetics, Baylor College of Medicine
Classification: Likely pathogenic for Progressive sclerosing poliodystrophy. Last evaluated: 2018-10-01. Review status: criteria provided, single submitter. Criteria: ACMG Guidelines, 2015. Collection method: clinical testing. Allele origin: germline.
Comment: The NM_002693.2:c.1862G>A (NP_002684.1:p.Gly621Asp) [GRCH38: NC_000015.10:g.89325537C>T] variant in POLG gene is interpretated to be a Likely Pathogenic based on ACMG guidelines (PMID: 25741868). This variant meets the following evidence codes reported in the ACMG-guideline. PM2:This variant is absent in key population databases. PM3:Detected in trans with a pathogenic variant for Mitochondrial DNA depletion syndrome 4A (Alpers type) which is a recessive disorder. PP1:This variant is co-segregated with Mitochondrial DNA depletion syndrome 4A (Alpers type) in multiple affected family members. PP2:This is a missense variant in POLG with a low rate of benign and high rate of pathogenic missense variations. PP3:Computational evidence/predictors indicate the variant has deleterious effect on POLG structure, function, or protein-protein interaction. PP4:Patient's phenotype or family history is highly specific for POLG. Based on the evidence criteria codes applied, the variant is suggested to be Likely Pathogenic.

Literature cited by the submitters: PubMed 28471437 (cited by Women's Health and Genetics/Laboratory Corporation of America, LabCorp and Labcorp Genetics (formerly Invitae), Labcorp).

NM_002693.3(POLG):c.1862G>A (p.Gly621Asp)

Gene: POLG (DNA polymerase gamma, catalytic subunit; minus strand). Cytogenetic location: 15q26.1.
Variant type: single nucleotide variant.
Coding change: c.1862G>A on transcript NM_002693.3 (MANE Select); coding-DNA position 1862, G replaced by A.
Protein change: p.Gly621Asp; replaces glycine 621 with aspartic acid.
Molecular consequence: missense variant.
Genome position (GRCh38, 1-based): chr15:89,325,537, C>T on the plus strand (G>A on the coding strand, the complement: POLG is on the minus strand). VCF-style: chr15-89325537-C-T. GRCh37 (hg19) VCF-style: chr15-89868768-C-T.
Other names: c.1862G>A, p.Gly621Asp (NM_001126131.2); short protein forms G621D.
Identifiers: ClinVar variation 619411 (VCV000619411.6), dbSNP rs1567190247, ClinGen allele CA10602205.
Genomic context (GRCh38, chr15:89,325,537, plus strand): 5'-TCCAGGGTGGTACCTGTCGGCAGCTTGGCCAGGTTGTCCCGCCGCCCAGGCACCAAGTAG[C>T]CCCAGCCATGACGCTCTGAGTAGTGCAGAGGGAAGCCATCCCAGGTAAGTGCCATGAGTT-3'
Protein context (NP_002684.1, residues 611-631): PLHYSERHGW[Gly621Asp]YLVPGRRDNL